The following is an entry in ClinVar:

NM_005228.5(EGFR):c.2741C>A (p.Pro914Gln)

Gene: EGFR (epidermal growth factor receptor; plus strand). Cytogenetic location: 7p11.2.
Variant type: single nucleotide variant.
Coding change: c.2741C>A on transcript NM_005228.5 (MANE Select); coding-DNA position 2741, C replaced by A.
Protein change: p.Pro914Gln; replaces proline 914 with glutamine.
Molecular consequence: missense variant.
Genome position (GRCh38, 1-based): chr7:55,198,756, C>A. VCF-style: chr7-55198756-C-A. GRCh37 (hg19) VCF-style: chr7-55266449-C-A.
Other names: c.2606C>A, p.Pro869Gln (NM_001346897.2, NM_001346899.2); c.2741C>A, p.Pro914Gln (NM_001346898.2); c.2582C>A, p.Pro861Gln (NM_001346900.2); c.1940C>A, p.Pro647Gln (NM_001346941.2); short protein forms P861Q, P869Q, P647Q, P914Q.
Identifiers: ClinVar variation 1394227 (VCV001394227.8), dbSNP rs1787724844, ClinGen allele CA367581256.

ClinVar aggregate classification (germline): Uncertain significance (1 of 4 stars; one submission).

Conditions:
EGFR-related lung cancer (EGFR). Identifiers: MedGen CN130014.

Submission:

Labcorp Genetics (formerly Invitae), Labcorp
Classification: Uncertain significance for EGFR-related lung cancer. Last evaluated: 2021-05-09. Review status: criteria provided, single submitter. Criteria: Invitae Variant Classification Sherloc (09022015). Collection method: clinical testing. Allele origin: germline.
Comment: This sequence change replaces proline with glutamine at codon 914 of the EGFR protein (p.Pro914Gln). The proline residue is highly conserved and there is a moderate physicochemical difference between proline and glutamine. This variant is not present in population databases (ExAC no frequency). This variant has not been reported in the literature in individuals with EGFR-related conditions. Algorithms developed to predict the effect of missense changes on protein structure and function are either unavailable or do not agree on the potential impact of this missense change (SIFT: "Deleterious"; PolyPhen-2: "Probably Damaging"; Align-GVGD: "Class C0"). In summary, the available evidence is currently insufficient to determine the role of this variant in disease. Therefore, it has been classified as a Variant of Uncertain Significance.